The following is an entry in ClinVar:

ClinVar aggregate classification (germline): Pathogenic (1 of 4 stars; one submission).

Conditions:
Long QT syndrome 1 (LQT1). Identifiers: Orphanet 101016, Orphanet 768, MedGen C4551647, MONDO:0100316, OMIM 192500, MONDO:0008646.

Submission:

Labcorp Genetics (formerly Invitae), Labcorp
Classification: Pathogenic for Long QT syndrome 1. Last evaluated: 2019-11-06. Review status: criteria provided, single submitter. Criteria: Invitae Variant Classification Sherloc (09022015). Collection method: clinical testing. Allele origin: germline.
Comment: Algorithms developed to predict the effect of missense changes on protein structure and function (SIFT, PolyPhen-2, Align-GVGD) all suggest that this variant is likely to be disruptive, but these predictions have not been confirmed by published functional studies and their clinical significance is uncertain. This variant has been observed in individual(s) with long QT syndrome (LQTS) (PMID: 30354306). In at least one individual the variant was observed to be de novo. This variant is not present in population databases (ExAC no frequency). This sequence change replaces aspartic acid with glycine at codon 132 of the CALM2 protein (p.Asp132Gly). The aspartic acid residue is highly conserved and there is a moderate physicochemical difference between aspartic acid and glycine. This variant disrupts the p.Asp132 amino acid residue in CALM2. Other variant(s) that disrupt this residue have been determined to be pathogenic (PMID: 24917665, 27374306). This suggests that this residue is clinically significant, and that variants that disrupt this residue are likely to be disease-causing. For these reasons, this variant has been classified as Pathogenic.

Literature cited by the submitters: PubMed 30354306; PubMed 24917665; PubMed 27374306.

NM_001743.6(CALM2):c.395A>G (p.Asp132Gly)

Gene: CALM2 (calmodulin 2; minus strand). Cytogenetic location: 2p21.
Variant type: single nucleotide variant.
Coding change: c.395A>G on transcript NM_001743.6 (MANE Select); coding-DNA position 395, A replaced by G.
Protein change: p.Asp132Gly; replaces aspartic acid 132 with glycine.
Molecular consequence: missense variant.
Genome position (GRCh38, 1-based): chr2:47,161,749, T>C on the plus strand (A>G on the coding strand, the complement: CALM2 is on the minus strand). VCF-style: chr2-47161749-T-C. GRCh37 (hg19) VCF-style: chr2-47388888-T-C.
Other names: c.539A>G, p.Asp180Gly (NM_001305624.1); c.287A>G, p.Asp96Gly (NM_001305625.2, NM_001305626.1); short protein forms D132G, D96G, D180G.
Identifiers: ClinVar variation 955533 (VCV000955533.11), dbSNP rs1687164164, ClinGen allele CA346719049.